The following is an entry in ClinVar:

NM_024407.5(NDUFS7):c.455+2T>C

Gene: NDUFS7 (NADH:ubiquinone oxidoreductase core subunit S7; plus strand). Cytogenetic location: 19p13.3.
Variant type: single nucleotide variant.
Coding change: c.455+2T>C on transcript NM_024407.5 (MANE Select); the canonical splice donor site of the intron after coding-DNA position 455, T replaced by C.
Molecular consequence: splice donor variant.
Genome position (GRCh38, 1-based): chr19:1,391,167, T>C. VCF-style: chr19-1391167-T-C. GRCh37 (hg19) VCF-style: chr19-1391166-T-C.
Other names: c.455+2T>C (NM_001363602.2).
Identifiers: ClinVar variation 2819120 (VCV002819120.4), dbSNP rs1250874621, ClinGen allele CA402986121.

ClinVar aggregate classification (germline): Likely pathogenic. Review status: criteria provided, multiple submitters, no conflicts (2 of 4 stars). 2 submissions from 2 submitters: Likely pathogenic (2). Last evaluated 2025-01-08.

Conditions:
Mitochondrial complex I deficiency, nuclear type 3. Also called: Mitochondrial complex 1 deficiency, nuclear type 3. Identifiers: MedGen C4748752, MONDO:0032608, OMIM 618224.

Allele frequency attached by ClinVar (database versions not stated): gnomAD exomes below 0.00001.

Submissions (2):

First Genomix Gene Laboratory, Genetic Diagnostics Department
Classification: Likely pathogenic for Mitochondrial complex I deficiency, nuclear type 3. Last evaluated: 2025-01-08. Review status: criteria provided, single submitter. Criteria: ACMG Guidelines, 2015. Collection method: clinical testing. Allele origin: germline. Inheritance: Autosomal recessive inheritance. Affected: no. Observed: 1 variant allele.

Labcorp Genetics (formerly Invitae), Labcorp
Classification: Likely pathogenic. Last evaluated: 2023-02-16. Review status: criteria provided, single submitter. Criteria: Invitae Variant Classification Sherloc (09022015). Collection method: clinical testing. Allele origin: germline.
Comment: This sequence change affects a donor splice site in intron 6 of the NDUFS7 gene. It is expected to disrupt RNA splicing. Variants that disrupt the donor or acceptor splice site typically lead to a loss of protein function (PMID: 16199547), and loss-of-function variants in NDUFS7 are known to be pathogenic (PMID: 17604671). This variant is not present in population databases (gnomAD no frequency). This variant has not been reported in the literature in individuals affected with NDUFS7-related conditions. Algorithms developed to predict the effect of sequence changes on RNA splicing suggest that this variant may disrupt the consensus splice site. In summary, the currently available evidence indicates that the variant is pathogenic, but additional data are needed to prove that conclusively. Therefore, this variant has been classified as Likely Pathogenic.

Literature cited by the submitters: PubMed 16199547 (cited by Labcorp Genetics (formerly Invitae), Labcorp); PubMed 17604671 (cited by Labcorp Genetics (formerly Invitae), Labcorp).